The following is an entry in ClinVar:

NM_001365951.3(KIF1B):c.842T>A (p.Val281Asp)

Gene: KIF1B (kinesin family member 1B; plus strand). Cytogenetic location: 1p36.22.
Variant type: single nucleotide variant.
Coding change: c.842T>A on transcript NM_001365951.3 (MANE Select); coding-DNA position 842, T replaced by A.
Protein change: p.Val281Asp; replaces valine 281 with aspartic acid.
Molecular consequence: missense variant.
Genome position (GRCh38, 1-based): chr1:10,272,284, T>A. VCF-style: chr1-10272284-T-A. GRCh37 (hg19) VCF-style: chr1-10332342-T-A.
Other names: c.842T>A, p.Val281Asp (NM_001365952.1, NM_001365953.1, NM_015074.3 and 1 more transcripts); short protein forms V281D.
Identifiers: ClinVar variation 3533956 (VCV003533956.1).

ClinVar aggregate classification (germline): Uncertain significance (1 of 4 stars; one submission).

Submission:

Ambry Genetics
Classification: Uncertain significance. Last evaluated: 2024-07-29. Review status: criteria provided, single submitter. Criteria: Ambry Variant Classification Scheme 2023. Collection method: clinical testing. Allele origin: germline.
Comment: The p.V281D variant (also known as c.842T>A), located in coding exon 8 of the KIF1B gene, results from a T to A substitution at nucleotide position 842. The valine at codon 281 is replaced by aspartic acid, an amino acid with highly dissimilar properties. This amino acid position is conserved. In addition, this alteration is predicted to be deleterious by in silico analysis. Based on the available evidence, the clinical significance of this variant remains unclear.